The following is an entry in ClinVar:

ClinVar aggregate classification (germline): Uncertain significance (1 of 4 stars; one submission).

Conditions:
Leigh syndrome (NULS). Also called: Leigh's necrotizing encephalopathy; Leigh's disease; Leigh's syndrome; LEIGH SYNDROME, NUCLEAR; Leigh Syndrome (mtDNA deletion); Leigh Disease. Identifiers: Orphanet 506, MedGen C2931891, MONDO:0009723, OMIM 256000.

Submission:

Wong Mito Lab, Molecular and Human Genetics, Baylor College of Medicine
Classification: Uncertain significance for Leigh syndrome. Last evaluated: 2019-10-17. Review status: criteria provided, single submitter. Criteria: Modified ACMG Guidelines (Unpublished). Collection method: clinical testing. Allele origin: germline.
Comment: The NC_012920.1:m.15413T>C (YP_003024038.1:p.Tyr223His) variant in MTCYB gene is interpretated to be a Uncertain Significance variant based on the modified ACMG guidelines (unpublished). This variant meets the following evidence codes: PP6, PP7

NC_012920.1(MT-CYB):m.15413T>C

Gene: MT-CYB (mitochondrially encoded cytochrome b; plus strand).
Variant type: single nucleotide variant.
Genome position: chrM-15413-T-C.
Identifiers: ClinVar variation 693880 (VCV000693880.1), dbSNP rs1603225265, ClinGen allele CA913173800.
Genomic context (GRCh38, chrMT:15,413, plus strand): 5'-ACGGGATCAAACAACCCCCTAGGAATCACCTCCCATTCCGATAAAATCACCTTCCACCCT[T>C]ACTACACAATCAAAGACGCCCTCGGCTTACTTCTCTTCCTTCTCTCCTTAATGACATTAA-3'